The following is an entry in ClinVar:

ClinVar aggregate classification (germline): Benign/Likely benign. Review status: criteria provided, multiple submitters, no conflicts (2 of 4 stars). 3 submissions from 3 submitters: Benign (1); Likely benign (2). Last evaluated 2025-07-22.

Conditions:
Hereditary cancer-predisposing syndrome. Also called: Tumor predisposition; Hereditary Cancer Syndrome; Neoplastic Syndromes, Hereditary; Hereditary neoplastic syndrome. Identifiers: Orphanet 140162, MedGen C0027672, MeSH D009386, MONDO:0015356.
Hereditary diffuse gastric adenocarcinoma (HDGC). Also called: DIFFUSE GASTRIC AND LOBULAR BREAST CANCER SYNDROME. Identifiers: Orphanet 26106, MedGen C1708349, MONDO:0007648, OMIM 137215.

Allele frequency attached by ClinVar (database versions not stated): gnomAD exomes below 0.00001; TOPMed below 0.00001.
gnomAD v4.1: 2 of 1,614,108 alleles (0.00012%); highest among the groups gnomAD compares: African/African-American, 0.0027%; no homozygotes.

Submissions (3):

Labcorp Genetics (formerly Invitae), Labcorp
Classification: Likely benign. Last evaluated: 2025-07-22. Review status: criteria provided, single submitter. Criteria: Invitae Variant Classification Sherloc (09022015). Collection method: clinical testing. Allele origin: germline.

Myriad Genetics, Inc.
Classification: Benign for Hereditary diffuse gastric adenocarcinoma. Last evaluated: 2024-10-09. Review status: criteria provided, single submitter. Criteria: Myriad Autosomal Dominant, Autosomal Recessive and X-Linked Classification Criteria (2023). Collection method: clinical testing. Allele origin: unknown.
Comment: This variant is considered benign. This variant is a silent/synonymous amino acid change and it is not expected to impact splicing.

Ambry Genetics
Classification: Likely benign for Hereditary cancer-predisposing syndrome. Last evaluated: 2022-08-28. Review status: criteria provided, single submitter. Criteria: Ambry Variant Classification Scheme 2023. Collection method: clinical testing. Allele origin: germline.

NM_001903.5(CTNNA1):c.361C>A (p.Arg121=)

Gene: CTNNA1 (catenin alpha 1; plus strand). Cytogenetic location: 5q31.2.
Variant type: single nucleotide variant.
Coding change: c.361C>A on transcript NM_001903.5 (MANE Select); coding-DNA position 361, C replaced by A.
Protein change: p.Arg121=; no amino-acid change (arginine 121 retained).
Molecular consequence: synonymous variant. On other transcripts: intron variant (1).
Genome position (GRCh38, 1-based): chr5:138,810,097, C>A. VCF-style: chr5-138810097-C-A. GRCh37 (hg19) VCF-style: chr5-138145786-C-A.
Other names: c.361C>A, p.Arg121= (NM_001290307.3, NM_001323982.2, NM_001323983.1 and 3 more transcripts); c.52C>A, p.Arg18= (NM_001290309.3); c.-5-4C>A (NM_001290310.3).
Identifiers: ClinVar variation 763573 (VCV000763573.14), dbSNP rs1043413100, ClinGen allele CA128219033.